The following is an entry in ClinVar:

ClinVar aggregate classification (germline): Uncertain significance (1 of 4 stars; one submission).

Conditions:
CHARGE syndrome (CHARGE). Also called: Hittner Hirsch Kreh syndrome; CHARGE ASSOCIATION--COLOBOMA, HEART ANOMALY, CHOANAL ATRESIA, RETARDATION, GENITAL AND EAR ANOMALIES; Coloboma, heart anomaly, choanal atresia, retardation, genital and ear anomalies; CHARGE association; Hall-Hittner syndrome. Identifiers: Orphanet 138, MedGen C0265354, MONDO:0008965.

Submission:

Labcorp Genetics (formerly Invitae), Labcorp
Classification: Uncertain significance for CHARGE syndrome. Last evaluated: 2022-03-01. Review status: criteria provided, single submitter. Criteria: Invitae Variant Classification Sherloc (09022015). Collection method: clinical testing. Allele origin: germline.
Comment: This sequence change replaces proline, which is neutral and non-polar, with leucine, which is neutral and non-polar, at codon 2257 of the CHD7 protein (p.Pro2257Leu). This variant is not present in population databases (gnomAD no frequency). In summary, the available evidence is currently insufficient to determine the role of this variant in disease. Therefore, it has been classified as a Variant of Uncertain Significance. Advanced modeling of protein sequence and biophysical properties (such as structural, functional, and spatial information, amino acid conservation, physicochemical variation, residue mobility, and thermodynamic stability) performed at Invitae indicates that this missense variant is not expected to disrupt CHD7 protein function. This variant has not been reported in the literature in individuals affected with CHD7-related conditions.

NM_017780.4(CHD7):c.6770C>T (p.Pro2257Leu)

Gene: CHD7 (chromodomain helicase DNA binding protein 7; plus strand). Cytogenetic location: 8q12.2.
Variant type: single nucleotide variant.
Coding change: c.6770C>T on transcript NM_017780.4 (MANE Select); coding-DNA position 6770, C replaced by T.
Protein change: p.Pro2257Leu; replaces proline 2257 with leucine.
Molecular consequence: missense variant. On other transcripts: intron variant (1).
Genome position (GRCh38, 1-based): chr8:60,853,495, C>T. VCF-style: chr8-60853495-C-T. GRCh37 (hg19) VCF-style: chr8-61766054-C-T.
Other names: c.1717-8734C>T (NM_001316690.1); short protein forms P2257L.
Identifiers: ClinVar variation 1353464 (VCV001353464.6), dbSNP rs2150811546, ClinGen allele CA371326298.